The following is an entry in ClinVar:

NM_000384.3(APOB):c.10519C>T (p.Arg3507Trp)

Gene: APOB (apolipoprotein B; minus strand). Cytogenetic location: 2p24.1.
Variant type: single nucleotide variant.
Coding change: c.10519C>T on transcript NM_000384.3 (MANE Select); coding-DNA position 10519, C replaced by T.
Protein change: p.Arg3507Trp; replaces arginine 3507 with tryptophan.
Molecular consequence: missense variant.
Genome position (GRCh38, 1-based): chr2:21,006,349, G>A on the plus strand (C>T on the coding strand, the complement: APOB is on the minus strand). VCF-style: chr2-21006349-G-A. GRCh37 (hg19) VCF-style: chr2-21229221-G-A.
Other names: short protein forms R3507W.
Identifiers: ClinVar variation 438312 (VCV000438312.10), dbSNP rs754264874, ClinGen allele CA043860.

ClinVar aggregate classification (germline): Conflicting classifications of pathogenicity. Review status: criteria provided, conflicting classifications (1 of 4 stars). 4 submissions from 4 submitters: Likely pathogenic (1); Uncertain significance (2); Likely benign (1). Last evaluated 2024-07-31.

Conditions:
Hypercholesterolemia, autosomal dominant, type B (FHCL2). Also called: HYPERCHOLESTEROLEMIA, FAMILIAL, DUE TO LIGAND-DEFECTIVE APOLIPOPROTEIN B; Familial Hypercholesterolemia Type B; APOLIPOPROTEIN B-100, FAMILIAL DEFECTIVE; APOLIPOPROTEIN B-100, FAMILIAL LIGAND-DEFECTIVE; Familial hypercholesterolemia 2; APOB-Related Familial Hypercholesterolemia, Autosomal Dominant. Identifiers: MedGen C1704417, MONDO:0007751, OMIM 144010.
Cardiovascular phenotype. Identifiers: MedGen CN230736.
Familial hypobetalipoproteinemia 1. Also called: APOB-Related Familial Hypobetalipoproteinemia; Hypobetalipoproteinemia, normotriglyceridemic; Acanthocytosis with hypobetalipoproteinemia. Identifiers: MedGen C4551990, MONDO:0014252, OMIM 615558.
Hypercholesterolemia, familial, 1. Also called: LDL RECEPTOR DISORDER; Hyperlipoproteinemia Type IIa; HYPER-LOW-DENSITY-LIPOPROTEINEMIA; HYPERCHOLESTEROLEMIC XANTHOMATOSIS, FAMILIAL; Fredrickson type IIa hyperlipoproteinemia; Hyperlipoproteinemia type 2. Identifiers: Orphanet 391665, MedGen C0745103, MONDO:0007750, OMIM 143890.

Allele frequency attached by ClinVar (database versions not stated): TOPMed 0.00001; gnomAD 0.00002.
gnomAD v4.1: 16 of 1,613,842 alleles (0.00099%); highest among the groups gnomAD compares: African/African-American, 0.004%; no homozygotes.

Submissions (4):

Labcorp Genetics (formerly Invitae), Labcorp
Classification: Likely benign for Familial hypobetalipoproteinemia 1; Hypercholesterolemia, autosomal dominant, type B. Last evaluated: 2024-07-31. Review status: criteria provided, single submitter. Criteria: Invitae Variant Classification Sherloc (09022015). Collection method: clinical testing. Allele origin: germline.

Ambry Genetics
Classification: Uncertain significance for Cardiovascular phenotype. Last evaluated: 2024-07-17. Review status: criteria provided, single submitter. Criteria: Ambry Variant Classification Scheme 2023. Collection method: clinical testing. Allele origin: germline.
Comment: The p.R3507W variant (also known as c.10519C>T), located in coding exon 26 of the APOB gene, results from a C to T substitution at nucleotide position 10519. The arginine at codon 3507 is replaced by tryptophan, an amino acid with dissimilar properties. This variant (also referred to as p.R3480W) has been detected in individuals with hypercholesterolemia or premature coronary artery disease; however, this variant has also been detected in an individual reported to have features of hypobetalipoproteinemia (Bor&eacute;n J et al. J Biol Chem, 2001 Mar;276:9214-8; Benn M et al. J Biol Chem, 2005 Jun;280:21052-60; Murdock DR et al. Genet Med, 2021 Dec;23:2404-2414). Functional studies suggest this variant may alter protein function; however, additional evidence is needed to confirm this finding (Bor&eacute;n J et al. J Biol Chem, 2001 Mar;276:9214-8; Benn M et al. J Biol Chem, 2005 Jun;280:21052-60). This amino acid position is poorly conserved in available vertebrate species. In addition, the in silico prediction for this alteration is inconclusive. Based on the available evidence, the clinical significance of this variant remains unclear.

Human Genome Sequencing Center Clinical Lab, Baylor College of Medicine
Classification: Likely pathogenic for Hypercholesterolemia, autosomal dominant, type B. Last evaluated: 2019-09-26. Review status: criteria provided, single submitter. Criteria: ACMG Guidelines, 2015. Collection method: clinical testing. Allele origin: germline.
Comment: The c.10519C>T (p.Arg3507Trp) variant in the APOB gene has been reported in an individual with mild to moderate hypercholesterolemia (PMID: 11115503) and in Dutch patients with FH (PMID: 16250003). Also known as p.Arg3480Trp, functional studies showed that this variant reduced the binding of LDL to the LDL receptor (PMID: 11115503). This variant is observed at a frequency of 6/282024 in the gnomAD population database. A different missense change at the same amino acid, p.Arg3507Pro, has also been reported in individuals with hypercholesterolemia (PMID: 7882518, 16250003). In light of the currently available data this c.10519C>T (p.Arg3507Trp) variant is classified as likely pathogenic.

Cardiovascular Research Group, Instituto Nacional de Saude Doutor Ricardo Jorge
Classification: Uncertain significance for Familial hypercholesterolemia. Last evaluated: 2016-03-01. Review status: criteria provided, single submitter. Criteria: ACMG Guidelines, 2015. Collection method: curation, literature only. Allele origin: germline, not applicable.

Literature cited by the submitters: PubMed 11115503 (cited by Ambry Genetics and Cardiovascular Research Group, Instituto Nacional de Saude Doutor Ricardo Jorge); PubMed 15797858 (cited by Ambry Genetics); PubMed 34363016 (cited by Ambry Genetics).